The following is an entry in ClinVar:

NM_001242896.3(DEPDC5):c.1324+1G>T

Gene: DEPDC5 (DEP domain containing 5, GATOR1 subcomplex subunit; plus strand). Cytogenetic location: 22q12.3.
Variant type: single nucleotide variant.
Coding change: c.1324+1G>T on transcript NM_001242896.3 (MANE Select); the canonical splice donor site of the intron after coding-DNA position 1324, G replaced by T.
Molecular consequence: splice donor variant.
Genome position (GRCh38, 1-based): chr22:31,809,648, G>T. VCF-style: chr22-31809648-G-T. GRCh37 (hg19) VCF-style: chr22-32205634-G-T.
Other names: c.1324+1G>T (NM_001364318.2, NM_001136029.4, NM_014662.6 and 7 more transcripts); c.1240+1G>T (NM_001369902.1, NM_001369901.1).
Identifiers: ClinVar variation 992802 (VCV000992802.7), dbSNP rs2088011240, ClinGen allele CA411276560.

ClinVar aggregate classification (germline): Likely pathogenic. Review status: criteria provided, multiple submitters, no conflicts (2 of 4 stars). 2 submissions from 2 submitters: Likely pathogenic (2). Last evaluated 2025-12-13.

Conditions:
Familial focal epilepsy with variable foci (FPEVF). Identifiers: Orphanet 98820, MedGen C1858477, MONDO:0020310.
Epilepsy, familial focal, with variable foci 1 (FFEVF1). Also called: DEPDC5-Related Epilepsy. Identifiers: MedGen C4551983, MONDO:0024556, OMIM 604364.

Allele frequency attached by ClinVar (database versions not stated): gnomAD exomes below 0.00001.
gnomAD v4.1: 1 of 1,613,958 alleles (0.000062%); highest among the groups gnomAD compares: Non-Finnish European, 0.000085%; no homozygotes.

Submissions (2):

Labcorp Genetics (formerly Invitae), Labcorp
Classification: Likely pathogenic for Familial focal epilepsy with variable foci. Last evaluated: 2025-12-13. Review status: criteria provided, single submitter. Criteria: Invitae Variant Classification Sherloc (09022015). Collection method: clinical testing. Allele origin: germline.
Comment: This sequence change affects a donor splice site in intron 19 of the DEPDC5 gene. It is expected to disrupt RNA splicing. Variants that disrupt the donor or acceptor splice site typically lead to a loss of protein function (PMID: 16199547), and loss-of-function variants in DEPDC5 are known to be pathogenic (PMID: 23542697, 23542701). This variant is not present in population databases (gnomAD no frequency). Disruption of this splice site has been observed in individual(s) with epilepsy (PMID: 31377847). ClinVar contains an entry for this variant (Variation ID: 992802). Algorithms developed to predict the effect of sequence changes on RNA splicing suggest that this variant may disrupt the consensus splice site. In summary, the currently available evidence indicates that the variant is pathogenic, but additional data are needed to prove that conclusively. Therefore, this variant has been classified as Likely Pathogenic.

New York Genome Center
Classification: Likely pathogenic for Epilepsy, familial focal, with variable foci 1. Last evaluated: 2019-07-08. Review status: criteria provided, single submitter. Criteria: NYGC Assertion Criteria 2020. Collection method: clinical testing. Allele origin: inherited. Affected: yes. Observed: 1 heterozygote. Study: CSER-NYCKidSeq.
Comment: The inherited heterozygous c.1324+1G>T variant in the DEPDC5 gene has not been reported in the literature and is absent from the gnomAD and ExAC databases indicating it is an extremely rare allele. The variant affects the canonical splice donor site in intron 19 of the DEPDC5 gene. The c.1324+1G>T variant is expected to disrupt normal mRNA splicing and is predicted to result in an absent or disrupted protein product. Variants affecting the canonical splice sites generally result in loss of protein function [PMID: 16199547], which is the suggested mechanism of disease for DEPDC5-related epilepsy. It has been estimated that penetrance of DEPDC5 disease-causing variants can be as low as 60% [PMID: 23542697, PMID: 23542701]. Based on the current evidence, the c.1324+1G>T variant in the DEPDC5 gene is assessed as likely pathogenic.

Literature cited by the submitters: PubMed 16199547 (cited by Labcorp Genetics (formerly Invitae), Labcorp); PubMed 23542697 (cited by Labcorp Genetics (formerly Invitae), Labcorp); PubMed 23542701 (cited by Labcorp Genetics (formerly Invitae), Labcorp); PubMed 31377847 (cited by Labcorp Genetics (formerly Invitae), Labcorp).